The following is an entry in ClinVar:

NM_007294.4(BRCA1):c.5126G>T (p.Gly1709Val)

Gene: BRCA1 (BRCA1 DNA repair associated; minus strand). Cytogenetic location: 17q21.31.
Variant type: single nucleotide variant.
Coding change: c.5126G>T on transcript NM_007294.4 (MANE Select); coding-DNA position 5126, G replaced by T.
Protein change: p.Gly1709Val; replaces glycine 1709 with valine.
Molecular consequence: missense variant. On other transcripts: non-coding transcript variant (1).
Genome position (GRCh38, 1-based): chr17:43,063,900, C>A on the plus strand (G>T on the coding strand, the complement: BRCA1 is on the minus strand). VCF-style: chr17-43063900-C-A. GRCh37 (hg19) VCF-style: chr17-41215917-C-A.
Other names: c.4913G>T, p.Gly1638Val (NM_001407571.1, NM_001407897.1, NM_001407898.1 and 12 more transcripts); c.5192G>T, p.Gly1731Val (NM_001407581.1, NM_001407582.1); c.5189G>T, p.Gly1730Val (NM_001407583.1, NM_001407585.1, NM_001407587.1 and 1 more transcripts); c.5186G>T, p.Gly1729Val (NM_001407590.1, NM_001407591.1); c.5126G>T, p.Gly1709Val (NM_001407593.1, NM_001407594.1, NM_001407596.1 and 7 more transcripts); c.5123G>T, p.Gly1708Val (NM_001407610.1, NM_001407611.1, NM_001407612.1 and 17 more transcripts); c.5120G>T, p.Gly1707Val (NM_001407627.1, NM_001407628.1, NM_001407629.1 and 14 more transcripts); c.5117G>T, p.Gly1706Val (NM_001407644.1, NM_001407645.1); and 71 more; short protein forms G605V, G1662V, G1709V, G1730V, G1555V, G1580V, G1582V, G1596V.
Identifiers: ClinVar variation 868688 (VCV000868688.3), dbSNP rs786204269, ClinGen allele CA10591286.

Conditions:
Breast-ovarian cancer, familial, susceptibility to, 1 (BROVCA1). Also called: BRCA1 Hereditary Breast and Ovarian Cancer; OVARIAN CANCER, SUSCEPTIBILITY TO. Identifiers: Orphanet 145, MedGen C2676676, MONDO:0011450, OMIM 604370. Disease mechanism: loss of function.

Submission:

Brotman Baty Institute, University of Washington
No classification provided (evidence only). Condition: Breast-ovarian cancer, familial 1. Review status: no classification provided. Collection method: in vitro. Allele origin: not applicable. Functional consequence: functionally_abnormal.
ClinVar note: "not provided" was previously submitted as the classification for the variant. However, the classification appeared to be based only on an observation of functional data so it was converted to no classification on 2025-07-30.